The following is an entry in ClinVar:

ClinVar aggregate classification (germline): Likely benign (0 of 4 stars; one submission).

Conditions:
MYO7B-related disorder. Also called: MYO7B-related condition.

Allele frequency attached by ClinVar (database versions not stated): 1000 Genomes Project 0.00100; 1000 Genomes Project 30x 0.00109; ESP Exome Variant Server 0.00144; TOPMed 0.00174; gnomAD 0.00198; ExAC 0.00210.
gnomAD v4.1: 4,198 of 1,613,460 alleles (0.26%); highest among the groups gnomAD compares: Non-Finnish European, 0.32%; 15 homozygotes.

Submission:

PreventionGenetics, part of Exact Sciences
Classification: Likely benign for MYO7B-related condition. Last evaluated: 2019-06-06. Review status: no assertion criteria provided. Collection method: clinical testing. Allele origin: germline.
Comment: This variant is classified as likely benign based on ACMG/AMP sequence variant interpretation guidelines (Richards et al. 2015 PMID: 25741868, with internal and published modifications).

NM_001393586.1(MYO7B):c.3648T>G (p.Ala1216=)

Gene: MYO7B (myosin VIIB; plus strand). Cytogenetic location: 2q14.3.
Variant type: single nucleotide variant.
Coding change: c.3648T>G on transcript NM_001393586.1 (MANE Select); coding-DNA position 3648, T replaced by G.
Protein change: p.Ala1216=; no amino-acid change (alanine 1216 retained).
Molecular consequence: synonymous variant.
Genome position (GRCh38, 1-based): chr2:127,623,204, T>G. VCF-style: chr2-127623204-T-G. GRCh37 (hg19) VCF-style: chr2-128380779-T-G.
Other names: c.3570T>G, p.Ala1190= (NM_001080527.2); c.129T>G, p.Ala43= (NM_001393594.1).
Identifiers: ClinVar variation 3039099 (VCV003039099.2), dbSNP rs188404852, ClinGen allele CA1861503.
Genomic context (GRCh38, chr2:127,623,204, plus strand): 5'-TTGGCCTCCTGTCCATAGGTTCCAAGAGGCCAGGGAACTGAATCTCATCTGTCCCCAGGC[T>G]GTCAAGTCCAAGAAGCACATCCCCATCCAAGTCATCTTGGCCACTGGAGAGAGCCTAACC-3'
Protein context (NP_001380515.1, residues 1206-1226): AEPPTWLELQ[Ala1216=]VKSKKHIPIQ